The following is an entry in ClinVar:

NM_001126108.2(SLC12A3):c.1732G>A (p.Val578Met)

Gene: SLC12A3 (solute carrier family 12 member 3; plus strand). Cytogenetic location: 16q13.
Variant type: single nucleotide variant.
Coding change: c.1732G>A on transcript NM_001126108.2 (MANE Select); coding-DNA position 1732, G replaced by A.
Protein change: p.Val578Met; replaces valine 578 with methionine.
Molecular consequence: missense variant.
Genome position (GRCh38, 1-based): chr16:56,884,111, G>A. VCF-style: chr16-56884111-G-A. GRCh37 (hg19) VCF-style: chr16-56918023-G-A.
Other names: c.1732G>A, p.Val578Met (NM_000339.3); c.1729G>A, p.Val577Met (NM_001126107.2); short protein forms V578M, V577M.
Identifiers: ClinVar variation 225469 (VCV000225469.22), dbSNP rs139329616, ClinGen allele CA8069592.

ClinVar aggregate classification (germline): Conflicting classifications of pathogenicity. Review status: criteria provided, conflicting classifications (1 of 4 stars). 7 submissions from 7 submitters: Likely pathogenic (1); Uncertain significance (5); Likely benign (1). Last evaluated 2025-12-16.

Conditions:
Familial hypokalemia-hypomagnesemia (GTLMNS). Also called: HYPOMAGNESEMIA-HYPOKALEMIA, PRIMARY RENOTUBULAR, WITH HYPOCALCIURIA; POTASSIUM AND MAGNESIUM DEPLETION; gitelman syndrome. Identifiers: Orphanet 358, MedGen C0268450, MONDO:0009904, OMIM 263800.
SLC12A3-related disorder. Also called: SLC12A3-related condition.

Allele frequency attached by ClinVar (database versions not stated): gnomAD exomes 0.00020 and 0.00065; gnomAD 0.00025; TOPMed 0.00043; ExAC 0.00054; 1000 Genomes Project 30x 0.00125; 1000 Genomes Project 0.00140.
gnomAD v4.1: 374 of 1,614,214 alleles (0.023%); highest among the groups gnomAD compares: East Asian, 0.68%; 2 homozygotes.

Submissions (7):

Labcorp Genetics (formerly Invitae), Labcorp
Classification: Likely benign. Last evaluated: 2025-12-16. Review status: criteria provided, single submitter. Criteria: Invitae Variant Classification Sherloc (09022015). Collection method: clinical testing. Allele origin: germline.

3billion
Classification: Likely pathogenic for Familial hypokalemia-hypomagnesemia. Last evaluated: 2025-03-13. Review status: criteria provided, single submitter. Criteria: ACMG Guidelines, 2015. Collection method: clinical testing. Allele origin: germline. Affected: yes.

GeneDx
Classification: Uncertain significance. Last evaluated: 2024-03-07. Review status: criteria provided, single submitter. Criteria: GeneDx Variant Classification Process June 2021. Collection method: clinical testing. Allele origin: germline. Affected: yes.
Comment: In silico analysis supports that this missense variant does not alter protein structure/function; This variant is associated with the following publications: (PMID: 33348466, 15198479, 30596175, 32884933, 34373523, 25841442, 12112667, 36806220, 10616841, 26770037, 20810575, 22484642, 31305454, 37147621, 36333282, 34604727, 35591852, 20072789)

PreventionGenetics, part of Exact Sciences
Classification: Uncertain significance for SLC12A3-related condition. Last evaluated: 2023-03-15. Review status: criteria provided, single submitter. Criteria: ACMG Guidelines, 2015. Collection method: clinical testing. Allele origin: germline.
Comment: The SLC12A3 c.1732G>A variant is predicted to result in the amino acid substitution p.Val578Met. This variant has been observed in the heterozygous and also the compound heterozygous state in several individuals with Gitelman syndrome (Monkawa et al. 2000. PubMed ID: 10616841; Nozu et al. 2010. PubMed ID: 20810575; Takahashi et al. 2012. PubMed ID: 22484642; Fujimura et al 2018. PubMed ID: 30596175; Table S7 in Kondo A et al 2021. PubMed ID: 34373523). However, in one of the compound heterozygous individuals the c.1732G>A (p.Val578Met) variant also occurred in cis with a SLC12A3 frameshift variant (Reported as c.2543_2544del in Monkawa et al. 2000. PubMed ID: 10616841). This c.1732G>A was also detected with this same frameshift variant in two additional individuals and phase was not determined, but these variants may represent a haplotype allele in certain populations (Reported as c.2537_2538del in Mori T et al 2020. PubMed ID: 33348466 and Miya A. et al. 2019. Medicine. 98:e16408). This variant has also been reported in a multigenerational family with one individual affected with Gitelman Syndrome; however, it was also detected in the compound heterozygous state in an asymptomatic individual (Ishikawa et al. 2020. PubMed ID: 32884933). This variant is reported in 171 of ~283,000 alleles in gnomAD with a frequency of 0.80% in individuals of East Asian descent. This variant has conflicting interpretations of likely benign and uncertain significance in ClinVar. At this time, the clinical significance of this variant is uncertain due to the absence of conclusive functional and genetic evidence.

Genome-Nilou Lab
Classification: Uncertain significance for Familial hypokalemia-hypomagnesemia. Last evaluated: 2021-07-15. Review status: criteria provided, single submitter. Criteria: ACMG Guidelines, 2015. Collection method: clinical testing. Allele origin: germline. Affected: no.

Soonchunhyang University Bucheon Hospital, Soonchunhyang University Medical Center
Classification: Uncertain significance for Familial hypokalemia-hypomagnesemia. Last evaluated: 2016-03-18. Review status: criteria provided, single submitter. Criteria: ACMG Guidelines, 2015. Collection method: reference population. Allele origin: germline. Observed: 2 variant alleles.

Juno Genomics, Hangzhou Juno Genomics, Inc
Classification: Uncertain significance for Familial hypokalemia-hypomagnesemia. Review status: criteria provided, single submitter. Criteria: ACMG Guidelines, 2015. Collection method: clinical testing. Allele origin: germline.
Comment: Allele frequency is greater than expected for disorder.;Multiple lines of computational evidence support a deleterious effect on the gene or gene product.;For recessive disorders, detected in trans with a pathogenic variant.;Patient's phenotype or family history is highly specific for a disease with a single genetic etiology.

Literature cited by the submitters: PubMed 20810575 (cited by 3billion); PubMed 10616841 (cited by 3billion and Soonchunhyang University Bucheon Hospital, Soonchunhyang University Medical Center).